The following is an entry in ClinVar:

NM_020975.6(RET):c.1690A>T (p.Thr564Ser)

Gene: RET (ret proto-oncogene; plus strand). Cytogenetic location: 10q11.21.
Variant type: single nucleotide variant.
Coding change: c.1690A>T on transcript NM_020975.6 (MANE Select); coding-DNA position 1690, A replaced by T.
Protein change: p.Thr564Ser; replaces threonine 564 with serine.
Molecular consequence: missense variant.
Genome position (GRCh38, 1-based): chr10:43,112,894, A>T. VCF-style: chr10-43112894-A-T. GRCh37 (hg19) VCF-style: chr10-43608342-A-T.
Other names: c.1690A>T, p.Thr564Ser (NM_000323.2, NM_001406743.1, NM_001406744.1 and 6 more transcripts); c.928A>T, p.Thr310Ser (NM_001355216.2); c.1561A>T, p.Thr521Ser (NM_001406761.1, NM_001406762.1, NM_001406764.1 and 1 more transcripts); c.1402A>T, p.Thr468Ser (NM_001406766.1, NM_001406767.1, NM_001406770.1); c.1294A>T, p.Thr432Ser (NM_001406769.1, NM_001406772.1); c.1252A>T, p.Thr418Ser (NM_001406771.1, NM_001406773.1); c.1165A>T, p.Thr389Ser (NM_001406774.1); c.964A>T, p.Thr322Ser (NM_001406775.1, NM_001406776.1, NM_001406777.1 and 1 more transcripts); and 5 more; short protein forms T564S, T310S, T222S, T322S, T169S, T234S, T389S, T521S.
Identifiers: ClinVar variation 819854 (VCV000819854.17), dbSNP rs1588872756, ClinGen allele CA376551889.

ClinVar aggregate classification (germline): Uncertain significance. Review status: criteria provided, multiple submitters, no conflicts (2 of 4 stars). 3 submissions from 3 submitters: Uncertain significance (3). Last evaluated 2025-10-14.

Conditions:
Hereditary cancer-predisposing syndrome. Also called: Neoplastic Syndromes, Hereditary; Tumor predisposition; Hereditary Cancer Syndrome; Hereditary neoplastic syndrome. Identifiers: Orphanet 140162, MedGen C0027672, MeSH D009386, MONDO:0015356.
Multiple endocrine neoplasia, type 2 (MEN2). Identifiers: Orphanet 653, MedGen C4048306, MONDO:0019003. Disease mechanism: gain of function.

Allele frequency attached by ClinVar (database versions not stated): gnomAD exomes below 0.00001.
gnomAD v4.1: 5 of 1,614,012 alleles (0.00031%); highest among the groups gnomAD compares: Non-Finnish European, 0.00042%; no homozygotes.

Submissions (3):

Labcorp Genetics (formerly Invitae), Labcorp
Classification: Uncertain significance for Multiple endocrine neoplasia, type 2. Last evaluated: 2025-10-14. Review status: criteria provided, single submitter. Criteria: Invitae Variant Classification Sherloc (09022015). Collection method: clinical testing. Allele origin: germline.
Comment: This sequence change replaces threonine, which is neutral and polar, with serine, which is neutral and polar, at codon 564 of the RET protein (p.Thr564Ser). This variant is not present in population databases (gnomAD no frequency). This variant has not been reported in the literature in individuals affected with RET-related conditions. ClinVar contains an entry for this variant (Variation ID: 819854). An algorithm developed to predict the effect of missense changes on protein structure and function (PolyPhen-2) suggests that this variant is likely to be tolerated. In summary, the available evidence is currently insufficient to determine the role of this variant in disease. Therefore, it has been classified as a Variant of Uncertain Significance.

Ambry Genetics
Classification: Uncertain significance for Hereditary cancer-predisposing syndrome. Last evaluated: 2024-05-23. Review status: criteria provided, single submitter. Criteria: Ambry Variant Classification Scheme 2023. Collection method: clinical testing. Allele origin: germline.
Comment: The p.T564S variant (also known as c.1690A>T), located in coding exon 9 of the RET gene, results from an A to T substitution at nucleotide position 1690. The threonine at codon 564 is replaced by serine, an amino acid with similar properties. This amino acid position is highly conserved in available vertebrate species. In addition, this alteration is predicted to be deleterious by in silico analysis. Since supporting evidence is limited at this time, the clinical significance of this alteration remains unclear.

All of Us Research Program, National Institutes of Health
Classification: Uncertain significance for Multiple endocrine neoplasia, type 2. Last evaluated: 2023-07-11. Review status: criteria provided, single submitter. Criteria: ACMG Guidelines, 2015. Collection method: clinical testing. Allele origin: germline. Inheritance: Autosomal dominant inheritance. Observed: 1 variant allele, 1 heterozygote.
Comment: This study involves interpretation of variants in research participants for the purpose of population health screening. Participant phenotype was not available at the time of variant classification. Additional details can be found in publication PMID: 35346344, PMCID: PMC8962531